The following is an entry in ClinVar:

NM_000440.3(PDE6A):c.1723C>T (p.Leu575=)

Gene: PDE6A (phosphodiesterase 6A; minus strand). Cytogenetic location: 5q32.
Variant type: single nucleotide variant.
Coding change: c.1723C>T on transcript NM_000440.3 (MANE Select); coding-DNA position 1723, C replaced by T.
Protein change: p.Leu575=; no amino-acid change (leucine 575 retained).
Molecular consequence: synonymous variant.
Genome position (GRCh38, 1-based): chr5:149,895,188, G>A on the plus strand (C>T on the coding strand, the complement: PDE6A is on the minus strand). VCF-style: chr5-149895188-G-A. GRCh37 (hg19) VCF-style: chr5-149274751-G-A.
Other names: c.1723C>T (NM_000440.2).
Identifiers: ClinVar variation 1121371 (VCV001121371.11), dbSNP rs767206584, ClinGen allele CA3504577.

ClinVar aggregate classification (germline): Likely benign. Review status: criteria provided, multiple submitters, no conflicts (2 of 4 stars). 3 submissions from 3 submitters: Likely benign (3). Last evaluated 2025-11-20.

Conditions:
PDE6A-related disorder. Also called: PDE6A-related condition.

Allele frequency attached by ClinVar (database versions not stated): gnomAD 0.00002; gnomAD exomes 0.00002 and 0.00006; TOPMed 0.00005; ExAC 0.00006.
gnomAD v4.1: 26 of 1,610,944 alleles (0.0016%); highest among the groups gnomAD compares: Admixed American, 0.042%; no homozygotes.

Submissions (3):

Labcorp Genetics (formerly Invitae), Labcorp
Classification: Likely benign. Last evaluated: 2025-11-20. Review status: criteria provided, single submitter. Criteria: Invitae Variant Classification Sherloc (09022015). Collection method: clinical testing. Allele origin: germline.

PreventionGenetics, part of Exact Sciences
Classification: Likely benign for PDE6A-related condition. Last evaluated: 2024-12-30. Review status: criteria provided, single submitter. Criteria: ACMG Guidelines, 2015. Collection method: clinical testing. Allele origin: germline.
Comment: This variant is classified as likely benign based on ACMG/AMP sequence variant interpretation guidelines (Richards et al. 2015 PMID: 25741868, with internal and published modifications).

Blueprint Genetics
Classification: Likely benign. Last evaluated: 2020-09-11. Review status: criteria provided, single submitter. Criteria: ACMG Guidelines, 2015. Collection method: clinical testing. Allele origin: germline.